The following is an entry in ClinVar:

ClinVar aggregate classification (germline): Uncertain significance. Review status: criteria provided, multiple submitters, no conflicts (2 of 4 stars). 2 submissions from 2 submitters: Uncertain significance (2). Last evaluated 2022-06-24.

Conditions:
Hereditary cancer-predisposing syndrome. Also called: Hereditary Cancer Syndrome; Hereditary neoplastic syndrome; Neoplastic Syndromes, Hereditary; Tumor predisposition. Identifiers: Orphanet 140162, MedGen C0027672, MeSH D009386, MONDO:0015356.
Familial cancer of breast. Also called: BREAST CANCER, FAMILIAL; Hereditary breast cancer; hereditary breast carcinoma. Identifiers: Orphanet 227535, MedGen C0346153, MONDO:0016419, OMIM 114480. Disease mechanism: loss of function.

Submissions (2):

Labcorp Genetics (formerly Invitae), Labcorp
Classification: Uncertain significance for Familial cancer of breast. Last evaluated: 2022-06-24. Review status: criteria provided, single submitter. Criteria: Invitae Variant Classification Sherloc (09022015). Collection method: clinical testing. Allele origin: germline.
Comment: In summary, the available evidence is currently insufficient to determine the role of this variant in disease. Therefore, it has been classified as a Variant of Uncertain Significance. Algorithms developed to predict the effect of missense changes on protein structure and function (SIFT, PolyPhen-2, Align-GVGD) all suggest that this variant is likely to be disruptive. This variant has not been reported in the literature in individuals affected with BARD1-related conditions. This variant is not present in population databases (gnomAD no frequency). This sequence change replaces alanine, which is neutral and non-polar, with aspartic acid, which is acidic and polar, at codon 518 of the BARD1 protein (p.Ala518Asp).

Ambry Genetics
Classification: Uncertain significance for Hereditary cancer-predisposing syndrome. Last evaluated: 2020-06-09. Review status: criteria provided, single submitter. Criteria: Ambry Variant Classification Scheme 2023. Collection method: clinical testing. Allele origin: germline.
Comment: The p.A518D variant (also known as c.1553C>A), located in coding exon 6 of the BARD1 gene, results from a C to A substitution at nucleotide position 1553. The alanine at codon 518 is replaced by aspartic acid, an amino acid with dissimilar properties. This amino acid position is highly conserved in available vertebrate species. In addition, this alteration is predicted to be deleterious by in silico analysis. Since supporting evidence is limited at this time, the clinical significance of this alteration remains unclear.

NM_000465.4(BARD1):c.1553C>A (p.Ala518Asp)

Gene: BARD1 (BRCA1 associated RING domain 1; minus strand). Cytogenetic location: 2q35.
Variant type: single nucleotide variant.
Coding change: c.1553C>A on transcript NM_000465.4 (MANE Select); coding-DNA position 1553, C replaced by A.
Protein change: p.Ala518Asp; replaces alanine 518 with aspartic acid.
Molecular consequence: missense variant. On other transcripts: non-coding transcript variant (3), intron variant (3).
Genome position (GRCh38, 1-based): chr2:214,767,497, G>T on the plus strand (C>A on the coding strand, the complement: BARD1 is on the minus strand). VCF-style: chr2-214767497-G-T. GRCh37 (hg19) VCF-style: chr2-215632221-G-T.
Other names: c.1496C>A, p.Ala499Asp (NM_001282543.2); c.159-14942C>A (NM_001282548.2); c.216-14942C>A (NM_001282545.2); c.364+24800C>A (NM_001282549.2); short protein forms A499D, A518D.
Identifiers: ClinVar variation 1775099 (VCV001775099.7), dbSNP rs758139986, ClinGen allele CA350448133.